The following is an entry in ClinVar:

ClinVar aggregate classification (germline): Uncertain significance (1 of 4 stars; one submission).

Allele frequency attached by ClinVar (database versions not stated): gnomAD exomes below 0.00001.
gnomAD v4.1: 1 of 1,613,234 alleles (0.000062%); highest among the groups gnomAD compares: Non-Finnish European, 0.000085%; no homozygotes.

Submission:

GeneDx
Classification: Uncertain significance. Last evaluated: 2023-10-09. Review status: criteria provided, single submitter. Criteria: GeneDx Variant Classification Process June 2021. Collection method: clinical testing. Allele origin: germline. Affected: yes.
Comment: Not observed at significant frequency in large population cohorts (gnomAD); In silico analysis supports that this missense variant has a deleterious effect on protein structure/function; Has not been previously published as pathogenic or benign to our knowledge; This variant is associated with the following publications: (PMID: 25512093, 25609763, 26100331)

NM_001376.5(DYNC1H1):c.8319G>A (p.Met2773Ile)

Gene: DYNC1H1 (dynein cytoplasmic 1 heavy chain 1; plus strand). Cytogenetic location: 14q32.31.
Variant type: single nucleotide variant.
Coding change: c.8319G>A on transcript NM_001376.5 (MANE Select); coding-DNA position 8319, G replaced by A.
Protein change: p.Met2773Ile; replaces methionine 2773 with isoleucine.
Molecular consequence: missense variant.
Genome position (GRCh38, 1-based): chr14:102,018,592, G>A. VCF-style: chr14-102018592-G-A. GRCh37 (hg19) VCF-style: chr14-102484929-G-A.
Other names: short protein forms M2773I.
Identifiers: ClinVar variation 3253353 (VCV003253353.1), dbSNP rs2503777640.